The following is an entry in ClinVar:

ClinVar aggregate classification (germline): Uncertain significance (1 of 4 stars; one submission).

Conditions:
Hereditary nonpolyposis colorectal neoplasms. Identifiers: MedGen C0009405, MeSH D003123.

Submission:

Labcorp Genetics (formerly Invitae), Labcorp
Classification: Uncertain significance for Hereditary nonpolyposis colorectal neoplasms. Last evaluated: 2021-10-19. Review status: criteria provided, single submitter. Criteria: Invitae Variant Classification Sherloc (09022015). Collection method: clinical testing. Allele origin: germline.
Comment: This variant has not been reported in the literature in individuals affected with MSH6-related conditions. In summary, the available evidence is currently insufficient to determine the role of this variant in disease. Therefore, it has been classified as a Variant of Uncertain Significance. Advanced modeling of protein sequence and biophysical properties (such as structural, functional, and spatial information, amino acid conservation, physicochemical variation, residue mobility, and thermodynamic stability) performed at Invitae indicates that this missense variant is not expected to disrupt MSH6 protein function. This variant is not present in population databases (ExAC no frequency). This sequence change replaces arginine with isoleucine at codon 338 of the MSH6 protein (p.Arg338Ile). The arginine residue is weakly conserved and there is a moderate physicochemical difference between arginine and isoleucine.

NM_000179.3(MSH6):c.1013G>T (p.Arg338Ile)

Gene: MSH6 (mutS homolog 6; plus strand). Cytogenetic location: 2p16.3.
Variant type: single nucleotide variant.
Coding change: c.1013G>T on transcript NM_000179.3 (MANE Select); coding-DNA position 1013, G replaced by T.
Protein change: p.Arg338Ile; replaces arginine 338 with isoleucine.
Molecular consequence: missense variant.
Genome position (GRCh38, 1-based): chr2:47,798,996, G>T. VCF-style: chr2-47798996-G-T. GRCh37 (hg19) VCF-style: chr2-48026135-G-T.
Other names: c.623G>T, p.Arg208Ile (NM_001281492.2); c.107G>T, p.Arg36Ile (NM_001281493.2, NM_001281494.2); short protein forms R208I, R36I, R338I.
Identifiers: ClinVar variation 1387845 (VCV001387845.6), dbSNP rs2104313445, ClinGen allele CA346741273.